The following is an entry in ClinVar:

ClinVar aggregate classification (germline): Uncertain significance (1 of 4 stars; one submission).

Conditions:
Familial cancer of breast. Also called: BREAST CANCER, FAMILIAL; Hereditary breast cancer; hereditary breast carcinoma. Identifiers: Orphanet 227535, MedGen C0346153, MONDO:0016419, OMIM 114480. Disease mechanism: loss of function.

Submission:

Labcorp Genetics (formerly Invitae), Labcorp
Classification: Uncertain significance for Familial cancer of breast. Last evaluated: 2026-02-02. Review status: criteria provided, single submitter. Criteria: Invitae Variant Classification Sherloc (09022015). Collection method: clinical testing. Allele origin: germline.
Comment: This sequence change replaces proline, which is neutral and non-polar, with serine, which is neutral and polar, at codon 399 of the PALB2 protein (p.Pro399Ser). This variant is not present in population databases (gnomAD no frequency). This variant has not been reported in the literature in individuals affected with PALB2-related conditions. Invitae Evidence Modeling of protein sequence and biophysical properties (such as structural, functional, and spatial information, amino acid conservation, physicochemical variation, residue mobility, and thermodynamic stability) indicates that this missense variant is not expected to disrupt PALB2 protein function with a negative predictive value of 80%. In summary, the available evidence is currently insufficient to determine the role of this variant in disease. Therefore, it has been classified as a Variant of Uncertain Significance.

NM_024675.4(PALB2):c.1195C>T (p.Pro399Ser)

Gene: PALB2 (partner and localizer of BRCA2; minus strand). Cytogenetic location: 16p12.2.
Variant type: single nucleotide variant.
Coding change: c.1195C>T on transcript NM_024675.4 (MANE Select); coding-DNA position 1195, C replaced by T.
Protein change: p.Pro399Ser; replaces proline 399 with serine.
Molecular consequence: missense variant. On other transcripts: intron variant (3).
Genome position (GRCh38, 1-based): chr16:23,635,351, G>A on the plus strand (C>T on the coding strand, the complement: PALB2 is on the minus strand). VCF-style: chr16-23635351-G-A. GRCh37 (hg19) VCF-style: chr16-23646672-G-A.
Other names: c.1135C>T, p.Pro379Ser (NM_001407296.1); c.1195C>T, p.Pro399Ser (NM_001407297.1, NM_001407298.1, NM_001407299.1 and 3 more transcripts); c.310C>T, p.Pro104Ser (NM_001407304.1, NM_001407305.1, NM_001407306.1 and 5 more transcripts); c.48+5759C>T (NM_001407314.1); c.-104-4882C>T (NM_001407313.1, NM_001407312.1); short protein forms P379S, P104S, P399S.
Identifiers: ClinVar variation 4742295 (VCV004742295.1).
Genomic context (GRCh38, chr16:23,635,351, plus strand): 5'-AATTGGACATGCTTCGTGTTGTTCTAACATAATATTCTGCAGGAAACAGAAGGCCTTCAG[G>A]CACTGTGCAAGAATGTTTTTCTGCAGAAAGAGGAGAGGTTGCTTCCAGGCTAAGACTCTT-3'
Protein context (NP_078951.2, residues 389-409): LSAEKHSCTV[Pro399Ser]EGLLFPAEYY